The following is an entry in ClinVar:

ClinVar aggregate classification (germline): Uncertain significance (1 of 4 stars; one submission).

Conditions:
Hereditary spastic paraplegia 62. Also called: Spastic paraplegia 62, autosomal recessive. Identifiers: Orphanet 401785, MedGen C4284588, MONDO:0014302, OMIM 615681.

gnomAD v4.1: 65 of 1,578,116 alleles (0.0041%); highest among the groups gnomAD compares: Non-Finnish European, 0.0051%; no homozygotes.

Submission:

Labcorp Genetics (formerly Invitae), Labcorp
Classification: Uncertain significance for Hereditary spastic paraplegia 62. Last evaluated: 2021-09-17. Review status: criteria provided, single submitter. Criteria: Invitae Variant Classification Sherloc (09022015). Collection method: clinical testing. Allele origin: germline.
Comment: This sequence change replaces arginine with leucine at codon 90 of the ERLIN1 protein (p.Arg90Leu). The arginine residue is highly conserved and there is a moderate physicochemical difference between arginine and leucine. This variant is present in population databases (rs779963349, ExAC 0.05%). This variant has not been reported in the literature in individuals affected with ERLIN1-related conditions. Algorithms developed to predict the effect of missense changes on protein structure and function are either unavailable or do not agree on the potential impact of this missense change (SIFT: "Deleterious"; PolyPhen-2: "Probably Damaging"; Align-GVGD: "Class C0"). In summary, the available evidence is currently insufficient to determine the role of this variant in disease. Therefore, it has been classified as a Variant of Uncertain Significance.

NM_006459.4(ERLIN1):c.269G>T (p.Arg90Leu)

Gene: ERLIN1 (ER lipid raft associated 1; minus strand). Cytogenetic location: 10q24.31.
Variant type: single nucleotide variant.
Coding change: c.269G>T on transcript NM_006459.4 (MANE Select); coding-DNA position 269, G replaced by T.
Protein change: p.Arg90Leu; replaces arginine 90 with leucine.
Molecular consequence: missense variant. On other transcripts: non-coding transcript variant (5), intron variant (1).
Genome position (GRCh38, 1-based): chr10:100,178,168, C>A on the plus strand (G>T on the coding strand, the complement: ERLIN1 is on the minus strand). VCF-style: chr10-100178168-C-A. GRCh37 (hg19) VCF-style: chr10-101937925-C-A.
Other names: c.269G>T, p.Arg90Leu (NM_001100626.2, NM_001347857.2, NM_001347859.2 and 2 more transcripts); c.17G>T, p.Arg6Leu (NM_001347856.2); c.-176-2098G>T (NM_001347858.2); short protein forms R90L, R6L.
Identifiers: ClinVar variation 1447973 (VCV001447973.5), dbSNP rs779963349, ClinGen allele CA5646115.